The following is an entry in ClinVar:

NM_001005242.3(PKP2):c.2446-10dup

Gene: PKP2 (plakophilin 2; minus strand). Cytogenetic location: 12p11.21.
Variant type: Duplication.
Coding change: c.2446-10dup on transcript NM_001005242.3 (MANE Select); 10 bases into the intron before coding-DNA position 2446, one base duplicated (T; older notation c.2446-10dupT).
Molecular consequence: intron variant.
Genome position (GRCh38, 1-based): chr12:32,792,502, A duplicated on the plus strand (T on the coding strand, the reverse complement: PKP2 is on the minus strand); the first of 2 consecutive A bases (chr12:32,792,502-32,792,503); duplicating either gives the same sequence. VCF-style (leftmost placement, unchanged base first): chr12-32792501-T-TA. GRCh37 (hg19) VCF-style: chr12-32945435-T-TA.
Other names: c.2578-10dup (NM_004572.4); c.2578-10dupT (NM_004572.4, NM_004572.3).
Identifiers: ClinVar variation 45074 (VCV000045074.23), dbSNP rs397517024, ClinGen allele CA012194.
Genomic context (GRCh38, chr12:32,792,501, plus strand): 5'-GGTAGGCTTTGGCAGTCCGGCTGTTGACAAAATCTGTCTTCTTAAACTGAGCCTTTGGAA[T>TA]AAGCAAACAGAAACGTGAAAGGTAACAAAACTGGCACACAAGAAAATGCAGTTTTTTAGC-3'

ClinVar aggregate classification (germline): Conflicting classifications of pathogenicity. Review status: criteria provided, conflicting classifications (1 of 4 stars). 7 submissions from 7 submitters: Uncertain significance (1); Likely benign (4). 2 of the submissions do not count toward it. Last evaluated 2026-01-21.

Conditions:
Cardiomyopathy (CMYO). Also called: Cardiomyopathies. Identifiers: Orphanet 167848, MedGen C0878544, MONDO:0004994, HP:0001638. Inheritance: Various modes of inheritance.
Arrhythmogenic right ventricular dysplasia 9 (ARVD9). Also called: Arrhythmogenic Right Ventricular Dysplasia/Cardiomyopathy 9; ARRHYTHMOGENIC RIGHT VENTRICULAR DYSPLASIA, FAMILIAL, 9. Identifiers: MedGen C1836906, MONDO:0012180, OMIM 609040.

Submissions (7):

Labcorp Genetics (formerly Invitae), Labcorp
Classification: Likely benign for Arrhythmogenic right ventricular dysplasia 9. Last evaluated: 2026-01-21. Review status: criteria provided, single submitter. Criteria: Invitae Variant Classification Sherloc (09022015). Collection method: clinical testing. Allele origin: germline.

Blueprint Genetics
Classification: Likely benign. Last evaluated: 2024-10-08. Review status: criteria provided, single submitter. Criteria: ACMG Guidelines, 2015. Collection method: clinical testing. Allele origin: germline.

Women's Health and Genetics/Laboratory Corporation of America, LabCorp
Classification: Likely benign. Last evaluated: 2024-10-07. Review status: criteria provided, single submitter. Criteria: LabCorp Variant Classification Summary - May 2015. Collection method: clinical testing. Allele origin: germline.
Comment: Variant summary: PKP2 c.2578-10dupT alters a non-conserved nucleotide located at a position not widely known to affect splicing. Consensus agreement among computation tools predict no significant impact on normal splicing. However, these predictions have yet to be confirmed by functional studies. The variant allele was found at a frequency of 0.00035 in 251428 control chromosomes in the gnomAD database, including 1 homozygote. This frequency is not significantly higher than estimated for a pathogenic variant in PKP2 causing Arrhythmogenic Right Ventricular Dysplasia/Cardiomyopathy (0.00035 vs 0.00065), allowing no conclusion about variant significance. To our knowledge, no occurrence of c.2578-10dupT in individuals affected with Arrhythmogenic Right Ventricular Dysplasia/Cardiomyopathy and no experimental evidence demonstrating its impact on protein function have been reported. ClinVar contains an entry for this variant (Variation ID: 45074). Based on the evidence outlined above, the variant was classified as likely benign.

Color Diagnostics, LLC DBA Color Health
Classification: Likely benign for Cardiomyopathy. Last evaluated: 2018-07-03. Review status: criteria provided, single submitter. Criteria: ACMG Guidelines, 2015. Collection method: clinical testing. Allele origin: germline.

Laboratory for Molecular Medicine, Mass General Brigham Personalized Medicine
Classification: Uncertain significance. Last evaluated: 2014-07-03. Review status: criteria provided, single submitter. Criteria: LMM Criteria. Collection method: clinical testing. Allele origin: germline. Observed: 2 variant alleles.
Comment: In addition, this variant has bee n identified in 2/8254 European American chromosomes by the NHLBI Exome Sequenci ng Project (dbSNP rs397517024). This variant is located in the 3' splice region. Computational tools do not suggest an impact to splicing, though this information is not predictive enough to rule out patho genicity. In summary, the clinical significance of the 2578-10_2578-9insT varian t is uncertain.

Clinical Genetics, Academic Medical Center
Classification: Benign. Review status: no assertion criteria provided. Collection method: clinical testing. Allele origin: germline. Affected: yes. Study: VKGL Data-share Consensus. Not counted in ClinVar's aggregate classification.

Joint Genome Diagnostic Labs from Nijmegen and Maastricht, Radboudumc and MUMC+
Classification: Likely benign. Review status: no assertion criteria provided. Collection method: clinical testing. Allele origin: germline. Affected: yes. Study: VKGL Data-share Consensus. Not counted in ClinVar's aggregate classification.